The following is an entry in ClinVar:

NM_004448.4(ERBB2):c.439+4G>A

Gene: ERBB2 (erb-b2 receptor tyrosine kinase 2; plus strand). Cytogenetic location: 17q12.
Variant type: single nucleotide variant.
Coding change: c.439+4G>A on transcript NM_004448.4 (MANE Select); 4 bases into the intron after coding-DNA position 439, G replaced by A.
Molecular consequence: intron variant.
Genome position (GRCh38, 1-based): chr17:39,708,538, G>A. VCF-style: chr17-39708538-G-A. GRCh37 (hg19) VCF-style: chr17-37864791-G-A.
Other names: c.349+4G>A (NM_001382782.1, NM_001005862.3, NM_001289938.2 and 1 more transcripts); c.394+4G>A (NM_001289936.2); c.439+4G>A (NM_001382787.1, NM_001382784.1, NM_001382786.1 and 19 more transcripts); c.430+4G>A (NM_001382791.1); c.74-3390G>A (NM_001382804.1).
Identifiers: ClinVar variation 2899050 (VCV002899050.3), dbSNP rs2058600067, ClinGen allele CA983623979.

ClinVar aggregate classification (germline): Uncertain significance (1 of 4 stars; one submission).

Allele frequency attached by ClinVar (database versions not stated): gnomAD 0.00001.
gnomAD v4.1: 1 of 1,611,804 alleles (0.000062%); highest among the groups gnomAD compares: Non-Finnish European, 0.000085%; no homozygotes.

Submission:

Labcorp Genetics (formerly Invitae), Labcorp
Classification: Uncertain significance. Last evaluated: 2023-01-20. Review status: criteria provided, single submitter. Criteria: Invitae Variant Classification Sherloc (09022015). Collection method: clinical testing. Allele origin: germline.
Comment: This sequence change falls in intron 3 of the ERBB2 gene. It does not directly change the encoded amino acid sequence of the ERBB2 protein. It affects a nucleotide within the consensus splice site. This variant is not present in population databases (gnomAD no frequency). In summary, the available evidence is currently insufficient to determine the role of this variant in disease. Therefore, it has been classified as a Variant of Uncertain Significance. Variants that disrupt the consensus splice site are a relatively common cause of aberrant splicing (PMID: 17576681, 9536098). Algorithms developed to predict the effect of sequence changes on RNA splicing suggest that this variant is not likely to affect RNA splicing. This variant has not been reported in the literature in individuals affected with ERBB2-related conditions.

Literature cited by the submitters: PubMed 17576681; PubMed 9536098.